The following is an entry in ClinVar:

NM_000465.4(BARD1):c.1318G>T (p.Asp440Tyr)

Gene: BARD1 (BRCA1 associated RING domain 1; minus strand). Cytogenetic location: 2q35.
Variant type: single nucleotide variant.
Coding change: c.1318G>T on transcript NM_000465.4 (MANE Select); coding-DNA position 1318, G replaced by T.
Protein change: p.Asp440Tyr; replaces aspartic acid 440 with tyrosine.
Molecular consequence: missense variant. On other transcripts: non-coding transcript variant (3), intron variant (3).
Genome position (GRCh38, 1-based): chr2:214,769,309, C>A on the plus strand (G>T on the coding strand, the complement: BARD1 is on the minus strand). VCF-style: chr2-214769309-C-A. GRCh37 (hg19) VCF-style: chr2-215634033-C-A.
Other names: c.1261G>T, p.Asp421Tyr (NM_001282543.2); c.159-16754G>T (NM_001282548.2); c.216-16754G>T (NM_001282545.2); c.364+22988G>T (NM_001282549.2); short protein forms D440Y, D421Y.
Identifiers: ClinVar variation 231174 (VCV000231174.5), dbSNP rs876658999, ClinGen allele CA10577810.
Genomic context (GRCh38, chr2:214,769,309, plus strand): 5'-CATGGTCTTTAACATTTGGATCACTTCCATTTTGTAAAAGGTATTCAACAGAAGGTATGT[C>A]GCCCTAGAAAAATGAACAAAACGGAAATTAAAAAGCATTAAGGAAAGAAAGGAAAATATT-3'
Protein context (NP_000456.2, residues 430-450): TLLHIASIKG[Asp440Tyr]IPSVEYLLQN

ClinVar aggregate classification (germline): Uncertain significance (1 of 4 stars; one submission).

Conditions:
Hereditary cancer-predisposing syndrome. Also called: Neoplastic Syndromes, Hereditary; Tumor predisposition; Hereditary Cancer Syndrome; Hereditary neoplastic syndrome. Identifiers: Orphanet 140162, MedGen C0027672, MeSH D009386, MONDO:0015356.

Submission:

Ambry Genetics
Classification: Uncertain significance for Hereditary cancer-predisposing syndrome. Last evaluated: 2015-04-03. Review status: criteria provided, single submitter. Criteria: Ambry Variant Classification Scheme 2023. Collection method: clinical testing. Allele origin: germline.
Comment: The p.D440Y variant (also known as c.1318G>T), located in coding exon 5 of the BARD1 gene, results from a G to T substitution at nucleotide position 1318. The aspartic acid at codon 440 is replaced by tyrosine, an amino acid with highly dissimilar properties. This variant was not reported in population based cohorts in the following databases: Database of Single Nucleotide Polymorphisms (dbSNP), NHLBI Exome Sequencing Project (ESP), and 1000 Genomes Project. In the ESP, this variant was not observed in 6503 samples (13006 alleles) with coverage at this position. To date, this alteration has been detected with an allele frequency of approximately 0.003% (greater than 40000 alleles tested) in our clinical cohort. This amino acid position is highly conserved in available vertebrate species. In addition, this alteration is predicted to be deleterious by in silico analysis. Since supporting evidence is limited at this time, the clinical significance of p.D440Y remains unclear.